The following is an entry in ClinVar:

ClinVar aggregate classification (germline): Conflicting classifications of pathogenicity. Review status: criteria provided, conflicting classifications (1 of 4 stars). 8 submissions from 8 submitters: Uncertain significance (7); Likely benign (1). Last evaluated 2025-12-20.

Conditions:
Hereditary cancer-predisposing syndrome. Also called: Neoplastic Syndromes, Hereditary; Hereditary Cancer Syndrome; Hereditary neoplastic syndrome; Tumor predisposition. Identifiers: Orphanet 140162, MedGen C0027672, MeSH D009386, MONDO:0015356.
Hereditary breast ovarian cancer syndrome. Also called: Hereditary breast and ovarian cancer syndrome; Hereditary breast and/or ovarian cancer syndrome; BRCA1- and BRCA2-Associated Hereditary Breast and Ovarian Cancer; Hereditary breast and ovarian cancer; Breast and ovarian cancer; Hereditary breast and ovarian cancer syndrome (HBOC). Identifiers: Orphanet 145, MedGen C0677776, MeSH D061325, MONDO:0003582. Disease mechanism: loss of function.
Breast-ovarian cancer, familial, susceptibility to, 2 (BROVCA2). Also called: BRCA2 Hereditary Breast and Ovarian Cancer. Identifiers: Orphanet 145, MedGen C2675520, MONDO:0012933, OMIM 612555. Disease mechanism: loss of function.

Allele frequency attached by ClinVar (database versions not stated): gnomAD exomes below 0.00001 and 0.00001; TOPMed 0.00001.

Submissions (8):

Labcorp Genetics (formerly Invitae), Labcorp
Classification: Uncertain significance for Hereditary breast ovarian cancer syndrome. Last evaluated: 2025-12-20. Review status: criteria provided, single submitter. Criteria: Invitae Variant Classification Sherloc (09022015). Collection method: clinical testing. Allele origin: germline.
Comment: This sequence change replaces threonine, which is neutral and polar, with arginine, which is basic and polar, at codon 251 of the BRCA2 protein (p.Thr251Arg). This variant is present in population databases (rs587781513, gnomAD 0.0009%). This missense change has been observed in individual(s) with breast and/or ovarian cancer (PMID: 17262179, 25777348, 29409476). This variant is also known as 980C>G. ClinVar contains an entry for this variant (Variation ID: 141126). Invitae Evidence Modeling of protein sequence and biophysical properties (such as structural, functional, and spatial information, amino acid conservation, physicochemical variation, residue mobility, and thermodynamic stability) indicates that this missense variant is not expected to disrupt BRCA2 protein function with a negative predictive value of 95%. In summary, the available evidence is currently insufficient to determine the role of this variant in disease. Therefore, it has been classified as a Variant of Uncertain Significance.

GeneDx
Classification: Uncertain significance. Last evaluated: 2024-05-06. Review status: criteria provided, single submitter. Criteria: GeneDx Variant Classification Process June 2021. Collection method: clinical testing. Allele origin: germline. Affected: yes.
Comment: Not observed at significant frequency in large population cohorts (gnomAD); In silico analysis indicates that this missense variant does not alter protein structure/function; Also known as 980C>G; Observed in individuals with breast or ovarian cancer (PMID: 17262179, 25777348, 29409476); This variant is associated with the following publications: (PMID: 25777348, 20054658, 17262179, 29409476, 31131967, 35402282, 30883759)

Color Diagnostics, LLC DBA Color Health
Classification: Uncertain significance for Hereditary cancer-predisposing syndrome. Last evaluated: 2024-04-29. Review status: criteria provided, single submitter. Criteria: ACMG Guidelines, 2015. Collection method: clinical testing. Allele origin: germline.
Comment: This missense variant replaces threonine with arginine at codon 251 of the BRCA2 protein. Computational prediction suggests that this variant may not impact protein structure and function. To our knowledge, functional studies have not been reported for this variant. This variant has been reported in at least three individuals affected with breast or ovarian cancer (PMID: 17262179, 20054658, 25777348, 29409476). One study reported this variant did not co-segregate with breast cancer in a family (PMID: 17262179). This variant has been identified in 1/250914 chromosomes in the general population by the Genome Aggregation Database (gnomAD). The available evidence is insufficient to determine the role of this variant in disease conclusively. Therefore, this variant is classified as a Variant of Uncertain Significance.

All of Us Research Program, National Institutes of Health
Classification: Uncertain significance for Breast-ovarian cancer, familial, susceptibility to, 2. Last evaluated: 2023-10-27. Review status: criteria provided, single submitter. Criteria: ACMG Guidelines, 2015. Collection method: clinical testing. Allele origin: germline. Inheritance: Autosomal dominant inheritance. Observed: 2 variant alleles, 2 heterozygotes.
Comment: This missense variant replaces threonine with arginine at codon 251 of the BRCA2 protein. Computational prediction suggests that this variant may not impact protein structure and function (internally defined REVEL score threshold <= 0.5, PMID: 27666373). To our knowledge, functional studies have not been reported for this variant. This variant has been reported in at least three individuals affected with breast or ovarian cancer (PMID: 17262179, 20054658, 25777348, 29409476). One study reported this variant did not co-segregate with breast cancer in a family (PMID: 17262179). This variant has been identified in 1/250914 chromosomes in the general population by the Genome Aggregation Database (gnomAD). The available evidence is insufficient to determine the role of this variant in disease conclusively. Therefore, this variant is classified as a Variant of Uncertain Significance.

This study involves interpretation of variants in research participants for the purpose of population health screening. Participant phenotype was not available at the time of variant classification. Additional details can be found in publication PMID: 35346344, PMCID: PMC8962531

KCCC/NGS Laboratory, Kuwait Cancer Control Center
Classification: Uncertain significance for Breast-ovarian cancer, familial, susceptibility to, 2. Last evaluated: 2023-06-06. Review status: criteria provided, single submitter. Criteria: ACMG Guidelines, 2015. Collection method: clinical testing. Allele origin: germline. Affected: yes.
Comment: This sequence change replaces threonine with arginine at codon 251 of the BRCA2 protein (p.Thr251Arg). The threonine residue is weakly conserved and there is a moderate physicochemical difference between threonine and arginine. This variant is present in population databases with a frequency of 0.0004% (ExAC). This variant has been reported in individuals affected with breast and/or ovarian cancer (PMID: 17262179, 25777348, 29409476). Algorithms developed to predict the effect of missense changes on protein structure and function do not agree on the potential impact of this missense change (SIFT: "Tolerated" with a score of 0.13; PolyPhen-2: "Benign" with a score of 0.008; Align-GVGD: "Class C15"). In summary, the available evidence is currently insufficient to determine the role of this variant in disease. Therefore, it has been classified as a Variant of Uncertain Significance.

Quest Diagnostics Nichols Institute San Juan Capistrano
Classification: Uncertain significance. Last evaluated: 2023-03-03. Review status: criteria provided, single submitter. Criteria: Quest Diagnostics criteria. Collection method: clinical testing. Allele origin: unknown.
Comment: The frequency of this variant in the general population, 0.000004 (1/250914 chromosomes), is uninformative in assessment of its pathogenicity. In the published literature, the variant has been reported in individuals with personal and/or family history of breast and/or ovarian cancer (PMIDs: 17262179 (2007), 25777348 (2015), 29409476 (2018)). An experimental analysis demonstrated this variant results in normal BRCA2 mRNA splicing (PMID: 30883759 (2019)). Analysis of this variant using bioinformatics tools for the prediction of the effect of amino acid changes on protein structure and function yielded predictions that this variant is benign. Based on the available information, we are unable to determine the clinical significance of this variant.

Women's Health and Genetics/Laboratory Corporation of America, LabCorp
Classification: Uncertain significance. Last evaluated: 2021-09-08. Review status: criteria provided, single submitter. Criteria: LabCorp Variant Classification Summary - May 2015. Collection method: clinical testing. Allele origin: germline.
Comment: Variant summary: BRCA2 c.752C>G (p.Thr251Arg) results in a non-conservative amino acid change in the encoded protein sequence. Three of five in-silico tools predict a benign effect of the variant on protein function. The variant allele was found at a frequency of 4e-06 in 251174 control chromosomes (gnomAD). The available data on variant occurrences in the general population are insufficient to allow any conclusion about variant significance. c.752C>G has been reported in the literature in individuals affected with Hereditary Breast And Ovarian Cancer Syndrome (Beristain_2007, El Saghir_2015, Abdel-Razeq_2018). In one of these studies, the authors were able to study the family of the proband and they determined non-cosegregation of the variant with BC (Beristain_2007). Furthermore, Abdel-Razeq et al (2018) reported a co-occurrence with a pathogenic BRCA2 variant (c.2254_2257delGACT, p.Asp752PhefsX19), providing supporting evidence for a benign role. In addition, this variant was found in the homozygous state in one patient affected with Lissencephaly who also carried a homozygous APC2 pathogenic variant (c.1882C>T, p.Gln628X; Lee_2019). One publication reports that this variant does not affect normal splicing (Fraile-Bethencourt_2019). Four ClinVar submitters (evaluation after 2014) cite the variant as uncertain significance. Based on the evidence outlined above, the variant was classified as VUS-possibly benign.

Ambry Genetics
Classification: Likely benign for Hereditary cancer-predisposing syndrome. Last evaluated: 2021-04-07. Review status: criteria provided, single submitter. Criteria: Ambry Variant Classification Scheme 2023. Collection method: clinical testing. Allele origin: germline.

Literature cited by the submitters: PubMed 17262179 (cited by 6 submitters); PubMed 25777348 (cited by 6 submitters); PubMed 29409476 (cited by 6 submitters); PubMed 20054658 (cited by 5 submitters); PubMed 30883759 (cited by Quest Diagnostics Nichols Institute San Juan Capistrano and Women's Health and Genetics/Laboratory Corporation of America, LabCorp); PubMed 31585108 (cited by Women's Health and Genetics/Laboratory Corporation of America, LabCorp); PubMed 28726808 (cited by Ambry Genetics).

NM_000059.4(BRCA2):c.752C>G (p.Thr251Arg)

Gene: BRCA2 (BRCA2 DNA repair associated; plus strand). Cytogenetic location: 13q13.1.
Variant type: single nucleotide variant.
Coding change: c.752C>G on transcript NM_000059.4 (MANE Select); coding-DNA position 752, C replaced by G.
Protein change: p.Thr251Arg; replaces threonine 251 with arginine.
Molecular consequence: missense variant.
Genome position (GRCh38, 1-based): chr13:32,330,989, C>G. VCF-style: chr13-32330989-C-G. GRCh37 (hg19) VCF-style: chr13-32905126-C-G.
Other names: short protein forms T251R.
Identifiers: ClinVar variation 141126 (VCV000141126.30), dbSNP rs587781513, ClinGen allele CA025135.